The following is an entry in ClinVar:

NM_001356.5(DDX3X):c.194A>G (p.Asp65Gly)

Gene: DDX3X (DEAD-box helicase 3 X-linked; plus strand). Cytogenetic location: Xp11.4.
Variant type: single nucleotide variant.
Coding change: c.194A>G on transcript NM_001356.5 (MANE Select); coding-DNA position 194, A replaced by G.
Protein change: p.Asp65Gly; replaces aspartic acid 65 with glycine.
Molecular consequence: missense variant. On other transcripts: 5 prime UTR variant (1), non-coding transcript variant (1).
Genome position (GRCh38, 1-based): chrX:41,341,526, A>G. VCF-style: chrX-41341526-A-G. GRCh37 (hg19) VCF-style: chrX-41200779-A-G.
Other names: c.194A>G, p.Asp65Gly (NM_001193416.3); c.146A>G, p.Asp49Gly (NM_001193417.3); c.-365A>G (NM_001363819.1); c.194A>G (NM_001356.3); short protein forms D49G, D65G.
Identifiers: ClinVar variation 1223148 (VCV001223148.10), dbSNP rs2063850443, ClinGen allele CA412764828.

ClinVar aggregate classification (germline): Uncertain significance. Review status: criteria provided, multiple submitters, no conflicts (2 of 4 stars). 4 submissions from 4 submitters: Uncertain significance (4). Last evaluated 2025-12-26.

Conditions:
Inborn genetic diseases. Identifiers: MedGen C0950123, MeSH D030342.
Intellectual disability, X-linked 102 (MRXSSB). Also called: Intellectual developmental disorder, X-linked syndromic, Snijders Blok type. Identifiers: Orphanet 457260, MedGen C5393299, MONDO:0010497, OMIM 300958.

Allele frequency attached by ClinVar (database versions not stated): gnomAD exomes below 0.00001.
gnomAD v4.1: 1 of 1,207,645 alleles (0.000083%); highest among the groups gnomAD compares: Non-Finnish European, 0.00011%; no homozygotes.

Submissions (4):

Clinical Genomics Laboratory, Washington University in St. Louis
Classification: Uncertain significance for Intellectual disability, X-linked 102. Last evaluated: 2025-12-26. Review status: criteria provided, single submitter. Criteria: ACMG Guidelines, 2015. Collection method: clinical testing. Allele origin: germline.
Comment: The DDX3X c.194A>G (p.Asp65Gly) variant, to our knowledge, has not been reported in the medical literature but has been reported in the ClinVar database as a germline variant of uncertain significance by three submitters. This variant is absent from the general population (gnomAD v2.1.1), indicating it is not a common variant. Computational predictors suggest that the variant does not impact DDX3X function and this region contains frequent gnomAD variation. Due to limited information, and based on ACMG/AMP guidelines for variant interpretation (Richards S et al., PMID: 25741868), the clinical significance of this variant is uncertain at this time.

Labcorp Genetics (formerly Invitae), Labcorp
Classification: Uncertain significance. Last evaluated: 2023-03-09. Review status: criteria provided, single submitter. Criteria: Invitae Variant Classification Sherloc (09022015). Collection method: clinical testing. Allele origin: germline.
Comment: This variant is not present in population databases (gnomAD no frequency). This sequence change replaces aspartic acid, which is acidic and polar, with glycine, which is neutral and non-polar, at codon 65 of the DDX3X protein (p.Asp65Gly). This variant has not been reported in the literature in individuals affected with DDX3X-related conditions. ClinVar contains an entry for this variant (Variation ID: 1223148). Experimental studies and prediction algorithms are not available or were not evaluated, and the functional significance of this variant is currently unknown. In summary, the available evidence is currently insufficient to determine the role of this variant in disease. Therefore, it has been classified as a Variant of Uncertain Significance.

Ambry Genetics
Classification: Uncertain significance for Inborn genetic diseases. Last evaluated: 2022-11-08. Review status: criteria provided, single submitter. Criteria: Ambry Variant Classification Scheme 2023. Collection method: clinical testing. Allele origin: germline.

GeneDx
Classification: Uncertain significance. Last evaluated: 2019-12-23. Review status: criteria provided, single submitter. Criteria: GeneDx Variant Classification Process June 2021. Collection method: clinical testing. Allele origin: germline. Affected: yes.
Comment: Not observed in large population cohorts (Lek et al., 2016); In silico analysis, which includes protein predictors and evolutionary conservation, supports that this variant does not alter protein structure/function; In silico analysis, which includes splice predictors and evolutionary conservation, suggests this variant may impact gene splicing. In the absence of RNA/functional studies, the actual effect of this sequence change is unknown.; Has not been previously published as pathogenic or benign to our knowledge